The following is an entry in ClinVar:

NM_000245.4(MET):c.3303T>C (p.Asp1101=)

Gene: MET (MET proto-oncogene, receptor tyrosine kinase; plus strand). Cytogenetic location: 7q31.2.
Variant type: single nucleotide variant.
Coding change: c.3303T>C on transcript NM_000245.4 (MANE Select); coding-DNA position 3303, T replaced by C.
Protein change: p.Asp1101=; no amino-acid change (aspartic acid 1101 retained).
Molecular consequence: synonymous variant.
Genome position (GRCh38, 1-based): chr7:116,777,432, T>C. VCF-style: chr7-116777432-T-C. GRCh37 (hg19) VCF-style: chr7-116417486-T-C.
Other names: c.3357T>C, p.Asp1119= (NM_001127500.3); c.2013T>C, p.Asp671= (NM_001324402.2).
Identifiers: ClinVar variation 2816935 (VCV002816935.4), dbSNP rs1304765887, ClinGen allele CA457218593.

ClinVar aggregate classification (germline): Benign/Likely benign. Review status: criteria provided, multiple submitters, no conflicts (2 of 4 stars). 2 submissions from 2 submitters: Benign (1); Likely benign (1). Last evaluated 2024-11-13.

Conditions:
Renal cell carcinoma. Identifiers: Orphanet 217071, MedGen C0007134, MeSH D002292, MONDO:0005086, HP:0005584.
Papillary renal cell carcinoma type 1 (RCCP1). Also called: RENAL CELL CARCINOMA, PAPILLARY, 1, SOMATIC; Renal adenocarcinoma; Renal cell carcinoma 1; Renal cell carcinoma, somatic. Identifiers: Orphanet 47044, MedGen C1336839, OMIM 605074, HP:0011797.

Allele frequency attached by ClinVar (database versions not stated): TOPMed below 0.00001.
gnomAD v4.1: 5 of 1,613,890 alleles (0.00031%); highest among the groups gnomAD compares: South Asian, 0.0033%; no homozygotes.

Submissions (2):

Myriad Genetics, Inc.
Classification: Benign for Papillary renal cell carcinoma type 1. Last evaluated: 2024-11-13. Review status: criteria provided, single submitter. Criteria: Myriad Autosomal Dominant, Autosomal Recessive and X-Linked Classification Criteria (2023). Collection method: clinical testing. Allele origin: unknown.
Comment: This variant is considered benign. This variant is a silent/synonymous amino acid change and it is not expected to impact splicing.

Labcorp Genetics (formerly Invitae), Labcorp
Classification: Likely benign for Renal cell carcinoma. Last evaluated: 2024-03-06. Review status: criteria provided, single submitter. Criteria: Invitae Variant Classification Sherloc (09022015). Collection method: clinical testing. Allele origin: germline.